The following is an entry in ClinVar:

NM_005732.4(RAD50):c.3001A>C (p.Met1001Leu)

Gene: RAD50 (RAD50 double strand break repair protein; plus strand). Cytogenetic location: 5q31.1.
Variant type: single nucleotide variant.
Coding change: c.3001A>C on transcript NM_005732.4 (MANE Select); coding-DNA position 3001, A replaced by C.
Protein change: p.Met1001Leu; replaces methionine 1001 with leucine.
Molecular consequence: missense variant.
Genome position (GRCh38, 1-based): chr5:132,609,361, A>C. VCF-style: chr5-132609361-A-C. GRCh37 (hg19) VCF-style: chr5-131945053-A-C.
Other names: short protein forms M1001L.
Identifiers: ClinVar variation 822553 (VCV000822553.14), dbSNP rs876660064, ClinGen allele CA360960834.

ClinVar aggregate classification (germline): Uncertain significance. Review status: criteria provided, multiple submitters, no conflicts (2 of 4 stars). 2 submissions from 2 submitters: Uncertain significance (2). Last evaluated 2019-12-01.

Conditions:
Hereditary cancer-predisposing syndrome. Also called: Tumor predisposition; Hereditary Cancer Syndrome; Neoplastic Syndromes, Hereditary; Hereditary neoplastic syndrome. Identifiers: Orphanet 140162, MedGen C0027672, MeSH D009386, MONDO:0015356.

Submissions (2):

Labcorp Genetics (formerly Invitae), Labcorp
Classification: Uncertain significance for Hereditary cancer-predisposing syndrome. Last evaluated: 2019-12-01. Review status: criteria provided, single submitter. Criteria: Invitae Variant Classification Sherloc (09022015). Collection method: clinical testing. Allele origin: germline.
Comment: This sequence change replaces methionine with leucine at codon 1001 of the RAD50 protein (p.Met1001Leu). The methionine residue is moderately conserved and there is a small physicochemical difference between methionine and leucine. This variant is not present in population databases (ExAC no frequency). In summary, the available evidence is currently insufficient to determine the role of this variant in disease. Therefore, it has been classified as a Variant of Uncertain Significance. Algorithms developed to predict the effect of missense changes on protein structure and function (SIFT, PolyPhen-2, Align-GVGD) all suggest that this variant is likely to be tolerated, but these predictions have not been confirmed by published functional studies and their clinical significance is uncertain. This variant has not been reported in the literature in individuals with RAD50-related conditions.

Ambry Genetics
Classification: Uncertain significance for Hereditary cancer-predisposing syndrome. Last evaluated: 2019-09-17. Review status: criteria provided, single submitter. Criteria: Ambry Variant Classification Scheme 2023. Collection method: clinical testing. Allele origin: germline.
Comment: The p.M1001L variant (also known as c.3001A>C), located in coding exon 19 of the RAD50 gene, results from an A to C substitution at nucleotide position 3001. The methionine at codon 1001 is replaced by leucine, an amino acid with highly similar properties. This amino acid position is well conserved in available vertebrate species. In addition, this alteration is predicted to be tolerated by in silico analysis. Since supporting evidence is limited at this time, the clinical significance of this alteration remains unclear.